The following is an entry in ClinVar:

NM_001211.6(BUB1B):c.1583T>C (p.Phe528Ser)

Gene: BUB1B (BUB1 mitotic checkpoint serine/threonine kinase B; plus strand). Cytogenetic location: 15q15.1.
Variant type: single nucleotide variant.
Coding change: c.1583T>C on transcript NM_001211.6 (MANE Select); coding-DNA position 1583, T replaced by C.
Protein change: p.Phe528Ser; replaces phenylalanine 528 with serine.
Molecular consequence: missense variant.
Genome position (GRCh38, 1-based): chr15:40,202,420, T>C. VCF-style: chr15-40202420-T-C. GRCh37 (hg19) VCF-style: chr15-40494621-T-C.
Other names: short protein forms F528S.
Identifiers: ClinVar variation 1775758 (VCV001775758.2), dbSNP rs2542558858, ClinGen allele CA391691123.

ClinVar aggregate classification (germline): Uncertain significance (1 of 4 stars; one submission).

Conditions:
Inborn genetic diseases. Identifiers: MedGen C0950123, MeSH D030342.

Submission:

Ambry Genetics
Classification: Uncertain significance for Inborn genetic diseases. Last evaluated: 2022-02-27. Review status: criteria provided, single submitter. Criteria: Ambry Variant Classification Scheme 2023. Collection method: clinical testing. Allele origin: germline.
Comment: The p.F528S variant (also known as c.1583T>C), located in coding exon 13 of the BUB1B gene, results from a T to C substitution at nucleotide position 1583. The phenylalanine at codon 528 is replaced by serine, an amino acid with highly dissimilar properties. This amino acid position is conserved. In addition, the in silico prediction for this alteration is inconclusive. Since supporting evidence is limited at this time, the clinical significance of this alteration remains unclear.